The following is an entry in ClinVar:

ClinVar aggregate classification (germline): Uncertain significance. Review status: criteria provided, multiple submitters, no conflicts (2 of 4 stars). 2 submissions from 2 submitters: Uncertain significance (2). Last evaluated 2025-08-20.

Conditions:
Early-onset Lafora body disease. Also called: Epilepsy, progressive myoclonic, 10. Identifiers: Orphanet 324290, MedGen C4225258, MONDO:0014717, OMIM 616640.

Allele frequency attached by ClinVar (database versions not stated): gnomAD 0.00001; gnomAD exomes 0.00001 and 0.00002; TOPMed 0.00001; ExAC 0.00003.
gnomAD v4.1: 27 of 1,609,828 alleles (0.0017%); highest among the groups gnomAD compares: Non-Finnish European, 0.0017%; no homozygotes.

Submissions (2):

Ambry Genetics
Classification: Uncertain significance. Last evaluated: 2025-08-20. Review status: criteria provided, single submitter. Criteria: Ambry Variant Classification Scheme 2023. Collection method: clinical testing. Allele origin: germline.

Labcorp Genetics (formerly Invitae), Labcorp
Classification: Uncertain significance for Early-onset Lafora body disease. Last evaluated: 2024-10-08. Review status: criteria provided, single submitter. Criteria: Invitae Variant Classification Sherloc (09022015). Collection method: clinical testing. Allele origin: germline.
Comment: This sequence change replaces arginine, which is basic and polar, with tryptophan, which is neutral and slightly polar, at codon 272 of the PRDM8 protein (p.Arg272Trp). This variant is present in population databases (rs202018297, gnomAD 0.009%). This variant has not been reported in the literature in individuals affected with PRDM8-related conditions. ClinVar contains an entry for this variant (Variation ID: 1024623). Invitae Evidence Modeling of protein sequence and biophysical properties (such as structural, functional, and spatial information, amino acid conservation, physicochemical variation, residue mobility, and thermodynamic stability) indicates that this missense variant is not expected to disrupt PRDM8 protein function with a negative predictive value of 80%. In summary, the available evidence is currently insufficient to determine the role of this variant in disease. Therefore, it has been classified as a Variant of Uncertain Significance.

NM_001099403.2(PRDM8):c.814C>T (p.Arg272Trp)

Gene: PRDM8 (PR/SET domain 8; plus strand). Cytogenetic location: 4q21.21.
Variant type: single nucleotide variant.
Coding change: c.814C>T on transcript NM_001099403.2 (MANE Select); coding-DNA position 814, C replaced by T.
Protein change: p.Arg272Trp; replaces arginine 272 with tryptophan.
Molecular consequence: missense variant.
Genome position (GRCh38, 1-based): chr4:80,202,276, C>T. VCF-style: chr4-80202276-C-T. GRCh37 (hg19) VCF-style: chr4-81123430-C-T.
Other names: c.814C>T, p.Arg272Trp (NM_020226.4); c.814C>T (NM_020226.3); short protein forms R272W.
Identifiers: ClinVar variation 1024623 (VCV001024623.7), dbSNP rs202018297, ClinGen allele CA2982328.